The following is an entry in ClinVar:

NM_145728.3(SYNM):c.3209C>T (p.Thr1070Ile)

Gene: SYNM (synemin; plus strand). Cytogenetic location: 15q26.3.
Variant type: single nucleotide variant.
Coding change: c.3209C>T on transcript NM_145728.3 (MANE Select); coding-DNA position 3209, C replaced by T.
Protein change: p.Thr1070Ile; replaces threonine 1070 with isoleucine.
Molecular consequence: missense variant.
Genome position (GRCh38, 1-based): chr15:99,131,569, C>T. VCF-style: chr15-99131569-C-T. GRCh37 (hg19) VCF-style: chr15-99671774-C-T.
Other names: c.3209C>T, p.Thr1070Ile (NM_015286.6); short protein forms T1070I.
Identifiers: ClinVar variation 3052420 (VCV003052420.1), dbSNP rs782168939, ClinGen allele CA7753928.

ClinVar aggregate classification (germline): Benign (1 of 4 stars; one submission).

Conditions:
SYNM-related disorder. Also called: SYNM-related condition.

Allele frequency attached by ClinVar (database versions not stated): ExAC 0.00001; gnomAD 0.00001; gnomAD exomes 0.00001.
gnomAD v4.1: 8 of 1,609,148 alleles (0.0005%); highest among the groups gnomAD compares: South Asian, 0.0077%; no homozygotes.

Submission:

PreventionGenetics, part of Exact Sciences
Classification: Benign for SYNM-related condition. Last evaluated: 2019-03-13. Review status: criteria provided, single submitter. Criteria: ACMG Guidelines, 2015. Collection method: clinical testing. Allele origin: germline.
Comment: This variant is classified as benign based on ACMG/AMP sequence variant interpretation guidelines (Richards et al. 2015 PMID: 25741868, with internal and published modifications).